The following is an entry in ClinVar:

NM_000834.5(GRIN2B):c.1946A>C (p.Asn649Thr)

Gene: GRIN2B (glutamate ionotropic receptor NMDA type subunit 2B; minus strand). Cytogenetic location: 12p13.1.
Variant type: single nucleotide variant.
Coding change: c.1946A>C on transcript NM_000834.5 (MANE Select); coding-DNA position 1946, A replaced by C.
Protein change: p.Asn649Thr; replaces asparagine 649 with threonine.
Molecular consequence: missense variant.
Genome position (GRCh38, 1-based): chr12:13,608,667, T>G on the plus strand (A>C on the coding strand, the complement: GRIN2B is on the minus strand). VCF-style: chr12-13608667-T-G. GRCh37 (hg19) VCF-style: chr12-13761601-T-G.
Other names: short protein forms N649T.
Identifiers: ClinVar variation 245786 (VCV000245786.3), dbSNP rs879253945, ClinGen allele CA10584427.

ClinVar aggregate classification (germline): Conflicting classifications of pathogenicity. Review status: criteria provided, conflicting classifications (1 of 4 stars). 3 submissions from 3 submitters: Likely pathogenic (1); Uncertain significance (2). Last evaluated 2026-01-22.

Conditions:
GRIN2B-related disorder. Also called: GRIN2B-related condition.
Intellectual developmental disorder, autosomal dominant 6, with or without seizures. Also called: Intellectual disability, autosomal dominant 6; GRIN2B-related developmental delay, intellectual disability and autism spectrum disorder. Identifiers: Orphanet 589547, MedGen C3151411, MONDO:0013509, OMIM 613970.

Submissions (3):

3billion
Classification: Uncertain significance for GRIN2B-related disorder. Last evaluated: 2026-01-22. Review status: criteria provided, single submitter. Criteria: ACMG Guidelines, 2015. Collection method: clinical testing. Allele origin: germline. Affected: yes.
Comment: The variant is not observed in the gnomAD v4.1.0 dataset. Predicted Consequence/Location: Missense variant In silico tool predictions suggest damaging effect of the variant on gene or gene product [REVEL: 0.73 (>=0.6, sensitivity 0.68 and specificity 0.92); 3Cnet: 0.99 (> 0.75, sensitivity 0.96 and precision 0.92)]. The same nucleotide change resulting in the same amino acid change has been previously reported to be associated with GRIN2B-related disorder (ClinVar ID: VCV000245786). However, the evidence of pathogenicity is insufficient at this time. A different missense change at the same codon (p.Asn649Ser) has been reported as pathogenic/likely pathogenic with strong evidence (ClinVar ID: VCV000435389). Therefore, this variant is classified as VUS according to the recommendation of ACMG/AMP guideline.

Laboratory of Medical Genetics, University of Torino
Classification: Likely pathogenic for Intellectual developmental disorder, autosomal dominant 6, with or without seizures. Last evaluated: 2022-11-29. Review status: criteria provided, single submitter. Criteria: ACMG Guidelines, 2015. Collection method: research. Allele origin: germline. Affected: yes. Study: NeuroWES.

GeneDx
Classification: Uncertain significance. Last evaluated: 2015-06-01. Review status: criteria provided, single submitter. Criteria: GeneDx Variant Classification (06012015). Collection method: clinical testing. Allele origin: germline. Affected: yes.